The following is an entry in ClinVar:

ClinVar aggregate classification (germline): Pathogenic (1 of 4 stars; one submission).

Conditions:
Gorlin syndrome. Also called: Nevoid Basal Cell Carcinoma Syndrome; Basal cell nevus syndrome. Identifiers: Orphanet 377, MedGen C0004779, MONDO:0007187.

Submission:

Labcorp Genetics (formerly Invitae), Labcorp
Classification: Pathogenic for Gorlin syndrome. Last evaluated: 2016-08-26. Review status: criteria provided, single submitter. Criteria: Invitae Variant Classification Sherloc (09022015). Collection method: clinical testing. Allele origin: germline.
Comment: For these reasons, this variant has been classified as Pathogenic. While this particular variant has not been reported in the literature, truncating variants in PTCH1 are known to be pathogenic (PMID: 16301862, 16419085). This sequence change deletes 1 nucleotide from exon 9 of the PTCH1 mRNA (c.1308delC), causing a frameshift at codon 436. This creates a premature translational stop signal (p.Asp436Glufs*20) and is expected to result in an absent or disrupted protein product.

Literature cited by the submitters: PubMed 16301862; PubMed 16419085.

NM_000264.5(PTCH1):c.1308del (p.Asp436fs)

Gene: PTCH1 (patched 1; minus strand). Cytogenetic location: 9q22.32.
Variant type: Deletion.
Coding change: c.1308del on transcript NM_000264.5 (MANE Select); coding-DNA position 1308, one base deleted (C; older notation c.1308delC).
Protein change: p.Asp436fs; shifts the reading frame from aspartic acid 436.
Molecular consequence: frameshift variant. On other transcripts: non-coding transcript variant (1).
Genome position (GRCh38, 1-based): chr9:95,478,094, G deleted on the plus strand (C on the coding strand, the reverse complement: PTCH1 is on the minus strand). VCF-style (leftmost placement, unchanged base first): chr9-95478093-CG-C. GRCh37 (hg19) VCF-style: chr9-98240375-CG-C.
Other names: c.1110del, p.Asp370fs (NM_001083602.3); c.1305del, p.Asp435fs (NM_001083603.3); c.855del, p.Asp285fs (NM_001083604.3, NM_001083605.3, NM_001083606.3 and 1 more transcripts); c.1308del, p.Asp436fs (NM_001354918.2); short protein forms D285fs, D435fs, D436fs, D370fs.
Identifiers: ClinVar variation 409199 (VCV000409199.10), dbSNP rs1060502295, ClinGen allele CA16612863.